The following is an entry in ClinVar:

NM_001164508.2(NEB):c.18471+20A>G

Gene: NEB (nebulin; minus strand). Cytogenetic location: 2q23.3.
Variant type: single nucleotide variant.
Coding change: c.18471+20A>G on transcript NM_001164508.2 (MANE Select); 20 bases into the intron after coding-DNA position 18471, A replaced by G.
Molecular consequence: intron variant.
Genome position (GRCh38, 1-based): chr2:151,565,024, T>C on the plus strand (A>G on the coding strand, the complement: NEB is on the minus strand). VCF-style: chr2-151565024-T-C. GRCh37 (hg19) VCF-style: chr2-152421538-T-C.
Other names: c.13368+20A>G (NM_004543.5); c.18471+20A>G (NM_001164507.2, NM_001271208.2).
Identifiers: ClinVar variation 385451 (VCV000385451.6), dbSNP rs202133044, ClinGen allele CA1907950.

ClinVar aggregate classification (germline): Likely benign. Review status: criteria provided, multiple submitters, no conflicts (2 of 4 stars). 2 submissions from 2 submitters: Likely benign (2). Last evaluated 2026-01-19.

Conditions:
Nemaline myopathy 2 (NEM2). Also called: Nemaline myopathy 2, autosomal recessive. Identifiers: MedGen C1850569, MONDO:0009725, OMIM 256030.

Allele frequency attached by ClinVar (database versions not stated): gnomAD 0.00004 and 0.00005; gnomAD exomes 0.00004 and 0.00005; ExAC 0.00008; TOPMed 0.00008; 1000 Genomes Project 30x 0.00016; 1000 Genomes Project 0.00020.
gnomAD v4.1: 71 of 1,404,510 alleles (0.0051%); highest among the groups gnomAD compares: Middle Eastern, 0.18%; no homozygotes.

Submissions (2):

Labcorp Genetics (formerly Invitae), Labcorp
Classification: Likely benign for Nemaline myopathy 2. Last evaluated: 2026-01-19. Review status: criteria provided, single submitter. Criteria: Invitae Variant Classification Sherloc (09022015). Collection method: clinical testing. Allele origin: germline.

GeneDx
Classification: Likely benign. Last evaluated: 2016-05-09. Review status: criteria provided, single submitter. Criteria: GeneDx Variant Classification (06012015). Collection method: clinical testing. Allele origin: germline. Affected: yes.
Comment: This variant is considered likely benign or benign based on one or more of the following criteria: it is a conservative change, it occurs at a poorly conserved position in the protein, it is predicted to be benign by multiple in silico algorithms, and/or has population frequency not consistent with disease.